The following is an entry in ClinVar:

ClinVar aggregate classification (germline): Uncertain significance. Review status: criteria provided, single submitter (1 of 4 stars). 3 submissions from 2 submitters: Uncertain significance (2). 1 of the submissions does not count toward it. Last evaluated 2017-04-27.

Conditions:
Obesity. Also called: Obesity disorder. Identifiers: Orphanet 71529, MedGen C0028754, MeSH D009765, MONDO:0011122, HP:0001513.
Obesity due to pro-opiomelanocortin deficiency. Also called: Obesity, adrenal insufficiency, and red hair due to POMC deficiency; OBESITY, EARLY-ONSET, WITH ADRENAL INSUFFICIENCY AND RED HAIR; PROOPIOMELANOCORTIN DEFICIENCY. Identifiers: Orphanet 71526, MedGen C1857854, MONDO:0012335, OMIM 609734.
POMC-related disorder. Also called: POMC-related condition; POMC-related disorders.

Allele frequency attached by ClinVar (database versions not stated): gnomAD exomes below 0.00001 and 0.00003; gnomAD 0.00001; TOPMed 0.00003; ExAC 0.00005.
gnomAD v4.1: 11 of 1,613,942 alleles (0.00068%); highest among the groups gnomAD compares: East Asian, 0.0089%; no homozygotes.

Submissions (3):

Illumina Laboratory Services, Illumina
Classification: Uncertain significance for Obesity due to pro-opiomelanocortin deficiency. Last evaluated: 2017-04-27. Review status: criteria provided, single submitter. Criteria: ICSL Variant Classification Criteria 13 December 2019. Collection method: clinical testing. Allele origin: germline.

Illumina Laboratory Services, Illumina
Classification: Uncertain significance for Inherited obesity. Last evaluated: 2017-04-27. Review status: criteria provided, single submitter. Criteria: ICSL Variant Classification Criteria 13 December 2019. Collection method: clinical testing. Allele origin: germline.

PreventionGenetics, part of Exact Sciences
Classification: Likely benign for POMC-related condition. Last evaluated: 2022-07-20. Review status: no assertion criteria provided. Collection method: clinical testing. Allele origin: germline. Not counted in ClinVar's aggregate classification.
Comment: This variant is classified as likely benign based on ACMG/AMP sequence variant interpretation guidelines (Richards et al. 2015 PMID: 25741868, with internal and published modifications).

NM_000939.4(POMC):c.801G>A (p.Glu267=)

Gene: POMC (proopiomelanocortin; minus strand). Cytogenetic location: 2p23.3.
Variant type: single nucleotide variant.
Coding change: c.801G>A on transcript NM_000939.4 (MANE Select); coding-DNA position 801, G replaced by A.
Protein change: p.Glu267=; no amino-acid change (glutamic acid 267 retained).
Molecular consequence: synonymous variant.
Genome position (GRCh38, 1-based): chr2:25,161,084, C>T on the plus strand (G>A on the coding strand, the complement: POMC is on the minus strand). VCF-style: chr2-25161084-C-T. GRCh37 (hg19) VCF-style: chr2-25383953-C-T.
Other names: c.801G>A, p.Glu267= (NM_001035256.3, NM_001319204.2, NM_001319205.2); c.801G>A (NM_000939.3).
Identifiers: ClinVar variation 898575 (VCV000898575.6), dbSNP rs779850714, ClinGen allele CA1555210.
Genomic context (GRCh38, chr2:25,161,084, plus strand): 5'-AAGGGGCTTTGGGGTCGACCTCCTGGGGGAGGGTAGCCCTGGGGCCCCGCTGTGCCCTCA[C>T]TCGCCCTTCTTGTAGGCGTTCTTGATGATGGCGTTTTTGAACAGCGTCACCAGGGGCGTC-3'
Protein context (NP_000930.1, residues 257-267): AIIKNAYKKG[Glu267=]